The following is an entry in ClinVar:

NM_014908.4(DOLK):c.1236C>T (p.Leu412=)

Gene: DOLK (dolichol kinase; minus strand). Cytogenetic location: 9q34.11.
Variant type: single nucleotide variant.
Coding change: c.1236C>T on transcript NM_014908.4 (MANE Select); coding-DNA position 1236, C replaced by T.
Protein change: p.Leu412=; no amino-acid change (leucine 412 retained).
Molecular consequence: synonymous variant.
Genome position (GRCh38, 1-based): chr9:128,946,068, G>A on the plus strand (C>T on the coding strand, the complement: DOLK is on the minus strand). VCF-style: chr9-128946068-G-A. GRCh37 (hg19) VCF-style: chr9-131708347-G-A.
Identifiers: ClinVar variation 3226323 (VCV003226323.3), dbSNP rs1294629921, ClinGen allele CA467490601.

ClinVar aggregate classification (germline): Conflicting classifications of pathogenicity. Review status: criteria provided, conflicting classifications (1 of 4 stars). 2 submissions from 2 submitters: Uncertain significance (1); Likely benign (1). Last evaluated 2024-09-09.

Conditions:
DK1-congenital disorder of glycosylation. Also called: CONGENITAL DISORDER OF GLYCOSYLATION, TYPE Im; CDG Im; DK1 DEFICIENCY; DOLICHOL KINASE DEFICIENCY; DK1-CDG; DOLK-congenital disorder of glycosylation. Identifiers: Orphanet 91131, MedGen C1835849, MONDO:0012556, OMIM 610768.
Cardiovascular phenotype. Identifiers: MedGen CN230736.

Allele frequency attached by ClinVar (database versions not stated): TOPMed below 0.00001; gnomAD 0.00001.

Submissions (2):

Labcorp Genetics (formerly Invitae), Labcorp
Classification: Uncertain significance for DK1-congenital disorder of glycosylation. Last evaluated: 2024-09-09. Review status: criteria provided, single submitter. Criteria: Invitae Variant Classification Sherloc (09022015). Collection method: clinical testing. Allele origin: germline.
Comment: This sequence change affects codon 412 of the DOLK mRNA. It is a 'silent' change, meaning that it does not change the encoded amino acid sequence of the DOLK protein. This variant is not present in population databases (gnomAD no frequency). This variant has not been reported in the literature in individuals affected with DOLK-related conditions. In summary, the available evidence is currently insufficient to determine the role of this variant in disease. Therefore, it has been classified as a Variant of Uncertain Significance.

Ambry Genetics
Classification: Likely benign for Cardiovascular phenotype. Last evaluated: 2023-11-08. Review status: criteria provided, single submitter. Criteria: Ambry Variant Classification Scheme 2023. Collection method: clinical testing. Allele origin: germline.